The following is an entry in ClinVar:

NM_001972.4(ELANE):c.225-6C>A

Gene: ELANE (elastase, neutrophil expressed; plus strand). Cytogenetic location: 19p13.3.
Variant type: single nucleotide variant.
Coding change: c.225-6C>A on transcript NM_001972.4 (MANE Select); 6 bases into the intron before coding-DNA position 225, C replaced by A.
Molecular consequence: intron variant.
Genome position (GRCh38, 1-based): chr19:853,256, C>A. VCF-style: chr19-853256-C-A. GRCh37 (hg19) VCF-style: chr19-853256-C-A.
Identifiers: ClinVar variation 1051790 (VCV001051790.49), dbSNP rs777599059, ClinGen allele CA2499225645.

ClinVar aggregate classification (germline): Uncertain significance (1 of 4 stars; one submission).

Conditions:
Cyclical neutropenia. Also called: Cyclic Neutropenia; Cyclic hematopoiesis. Identifiers: Orphanet 2686, MedGen C0221023, MONDO:0008090, OMIM 162800, HP:0040289. Disease mechanism: loss of function.
Neutropenia, severe congenital, 1, autosomal dominant. Identifiers: MedGen C1859966, MONDO:0042490, OMIM 202700.

Submission:

Labcorp Genetics (formerly Invitae), Labcorp
Classification: Uncertain significance for Neutropenia, severe congenital, 1, autosomal dominant; Cyclical neutropenia. Last evaluated: 2020-05-30. Review status: criteria provided, single submitter. Criteria: Invitae Variant Classification Sherloc (09022015). Collection method: clinical testing. Allele origin: germline.
Comment: This sequence change falls in intron 2 of the ELANE gene. It does not directly change the encoded amino acid sequence of the ELANE protein. This variant is not present in population databases (ExAC no frequency). This variant has been observed in individual(s) with severe congenital neutropenia (PMID: 31321910). Algorithms developed to predict the effect of sequence changes on RNA splicing suggest that this variant may disrupt the consensus splice site, but this prediction has not been confirmed by published transcriptional studies. In summary, the available evidence is currently insufficient to determine the role of this variant in disease. Therefore, it has been classified as a Variant of Uncertain Significance.

Literature cited by the submitters: PubMed 31321910.